The following is an entry in ClinVar:

ClinVar aggregate classification (germline): Uncertain significance (1 of 4 stars; one submission).

Conditions:
Inborn genetic diseases. Identifiers: MedGen C0950123, MeSH D030342.

Allele frequency attached by ClinVar (database versions not stated): TOPMed 0.00001.
gnomAD v4.1: 5 of 1,613,980 alleles (0.00031%); highest among the groups gnomAD compares: Non-Finnish European, 0.00042%; no homozygotes.

Submission:

Ambry Genetics
Classification: Uncertain significance for Inborn genetic diseases. Last evaluated: 2017-06-22. Review status: criteria provided, single submitter. Criteria: Ambry Variant Classification Scheme 2023. Collection method: clinical testing. Allele origin: germline.
Comment: The p.L1344V variant (also known as c.4030C>G), located in coding exon 7 of the ANKRD11 gene, results from a C to G substitution at nucleotide position 4030. The leucine at codon 1344 is replaced by valine, an amino acid with highly similar properties. This amino acid position is not well conserved in available vertebrate species. In addition, this alteration is predicted to be tolerated by in silico analysis. Since supporting evidence is limited at this time, the clinical significance of this alteration remains unclear.

NM_013275.6(ANKRD11):c.4030C>G (p.Leu1344Val)

Gene: ANKRD11 (ankyrin repeat domain containing 11; minus strand). Cytogenetic location: 16q24.3.
Variant type: single nucleotide variant.
Coding change: c.4030C>G on transcript NM_013275.6 (MANE Select); coding-DNA position 4030, C replaced by G.
Protein change: p.Leu1344Val; replaces leucine 1344 with valine.
Molecular consequence: missense variant.
Genome position (GRCh38, 1-based): chr16:89,282,512, G>C on the plus strand (C>G on the coding strand, the complement: ANKRD11 is on the minus strand). VCF-style: chr16-89282512-G-C. GRCh37 (hg19) VCF-style: chr16-89348920-G-C.
Other names: c.4030C>G, p.Leu1344Val (NM_001256182.2, NM_001256183.2); short protein forms L1344V.
Identifiers: ClinVar variation 1737203 (VCV001737203.2), dbSNP rs771640663, ClinGen allele CA8242223.
Genomic context (GRCh38, chr16:89,282,512, plus strand): 5'-CTCGGTCGTGGCTCTTCTTGGATGAAGATGAGGAGTGTCTGTGCCTCTCCTTCTCTTTCA[G>C]CTTCTCAGGGAGGCAGGCGCTCTCCCTCGGCTTGTCGTCTCCAGGTGGCTCCGTGAAAGA-3'
Protein context (NP_037407.4, residues 1334-1354): PRESACLPEK[Leu1344Val]KEKERHRHSS